The following is an entry in ClinVar:

NM_005857.5(ZMPSTE24):c.395T>C (p.Leu132Pro)

Gene: ZMPSTE24 (zinc metallopeptidase STE24; plus strand). Cytogenetic location: 1p34.2.
Variant type: single nucleotide variant.
Coding change: c.395T>C on transcript NM_005857.5 (MANE Select); coding-DNA position 395, T replaced by C.
Protein change: p.Leu132Pro; replaces leucine 132 with proline.
Molecular consequence: missense variant.
Genome position (GRCh38, 1-based): chr1:40,268,456, T>C. VCF-style: chr1-40268456-T-C. GRCh37 (hg19) VCF-style: chr1-40734128-T-C.
Other names: short protein forms L132P.
Identifiers: ClinVar variation 1919705 (VCV001919705.2), dbSNP rs762325459, ClinGen allele CA790983.

ClinVar aggregate classification (germline): Uncertain significance (1 of 4 stars; one submission).

Allele frequency attached by ClinVar (database versions not stated): TOPMed below 0.00001; ExAC 0.00001.
gnomAD v4.1: 6 of 1,613,056 alleles (0.00037%); highest among the groups gnomAD compares: Middle Eastern, 0.017%; no homozygotes.

Submission:

Labcorp Genetics (formerly Invitae), Labcorp
Classification: Uncertain significance. Last evaluated: 2022-05-27. Review status: criteria provided, single submitter. Criteria: Invitae Variant Classification Sherloc (09022015). Collection method: clinical testing. Allele origin: germline.
Comment: This sequence change replaces leucine, which is neutral and non-polar, with proline, which is neutral and non-polar, at codon 132 of the ZMPSTE24 protein (p.Leu132Pro). This variant is present in population databases (rs762325459, gnomAD 0.0009%). This variant has not been reported in the literature in individuals affected with ZMPSTE24-related conditions. Algorithms developed to predict the effect of missense changes on protein structure and function are either unavailable or do not agree on the potential impact of this missense change (SIFT: "Not Available"; PolyPhen-2: "Benign"; Align-GVGD: "Not Available"). In summary, the available evidence is currently insufficient to determine the role of this variant in disease. Therefore, it has been classified as a Variant of Uncertain Significance.